The following is an entry in ClinVar:

ClinVar aggregate classification (germline): Uncertain significance. Review status: criteria provided, multiple submitters, no conflicts (2 of 4 stars). 2 submissions from 2 submitters: Uncertain significance (2). Last evaluated 2025-07-28.

Conditions:
Inborn genetic diseases. Identifiers: MedGen C0950123, MeSH D030342.
Type A2 brachydactyly (BDA2). Also called: Brachymesophalangy type 2; MOHR-WRIEDT TYPE BRACHYDACTYLY; BRACHYMESOPHALANGY II. Identifiers: Orphanet 93396, MedGen C1832702, MONDO:0007216, OMIM 112600, HP:0009372.
Acromesomelic dysplasia 3 (AMD3). Also called: CHONDRODYSPLASIA, ACROMESOMELIC, WITH OR WITHOUT GENITAL ANOMALIES; Acromesomelic dysplasia, Demirhan type. Identifiers: MedGen C4225404, MONDO:0012274, OMIM 609441.

gnomAD v4.1: 2 of 1,613,674 alleles (0.00012%); highest among the groups gnomAD compares: African/African-American, 0.0013%; no homozygotes.

Submissions (2):

Labcorp Genetics (formerly Invitae), Labcorp
Classification: Uncertain significance for Type A2 brachydactyly; Acromesomelic dysplasia 3. Last evaluated: 2025-07-28. Review status: criteria provided, single submitter. Criteria: Invitae Variant Classification Sherloc (09022015). Collection method: clinical testing. Allele origin: germline.
Comment: This sequence change replaces methionine, which is neutral and non-polar, with valine, which is neutral and non-polar, at codon 206 of the BMPR1B protein (p.Met206Val). This variant is not present in population databases (gnomAD no frequency). This variant has not been reported in the literature in individuals affected with BMPR1B-related conditions. ClinVar contains an entry for this variant (Variation ID: 2142200). Invitae Evidence Modeling of protein sequence and biophysical properties (such as structural, functional, and spatial information, amino acid conservation, physicochemical variation, residue mobility, and thermodynamic stability) indicates that this missense variant is not expected to disrupt BMPR1B protein function with a negative predictive value of 80%. In summary, the available evidence is currently insufficient to determine the role of this variant in disease. Therefore, it has been classified as a Variant of Uncertain Significance.

Ambry Genetics
Classification: Uncertain significance for Inborn genetic diseases. Last evaluated: 2023-07-12. Review status: criteria provided, single submitter. Criteria: Ambry Variant Classification Scheme 2023. Collection method: clinical testing. Allele origin: germline.

NM_001203.3(BMPR1B):c.616A>G (p.Met206Val)

Gene: BMPR1B (bone morphogenetic protein receptor type 1B; plus strand). Cytogenetic location: 4q22.3.
Variant type: single nucleotide variant.
Coding change: c.616A>G on transcript NM_001203.3 (MANE Select); coding-DNA position 616, A replaced by G.
Protein change: p.Met206Val; replaces methionine 206 with valine.
Molecular consequence: missense variant.
Genome position (GRCh38, 1-based): chr4:95,129,892, A>G. VCF-style: chr4-95129892-A-G. GRCh37 (hg19) VCF-style: chr4-96051043-A-G.
Other names: c.616A>G, p.Met206Val (NM_001256792.2, NM_001256794.1); c.706A>G, p.Met236Val (NM_001256793.2); c.616A>G (NM_001203.2); short protein forms M236V, M206V.
Identifiers: ClinVar variation 2142200 (VCV002142200.6), dbSNP rs1344379581, ClinGen allele CA357681123.